The following is an entry in ClinVar:

ClinVar aggregate classification (germline): Uncertain significance (1 of 4 stars; one submission).

Conditions:
Hypertrophic cardiomyopathy. Also called: HYPERTROPHIC MYOCARDIOPATHY. Identifiers: Orphanet 217569, MedGen C0007194, MeSH D002312, MONDO:0005045, HP:0001639.

Allele frequency attached by ClinVar (database versions not stated): TOPMed 0.00001.

Submission:

Labcorp Genetics (formerly Invitae), Labcorp
Classification: Uncertain significance for Hypertrophic cardiomyopathy. Last evaluated: 2022-09-13. Review status: criteria provided, single submitter. Criteria: Invitae Variant Classification Sherloc (09022015). Collection method: clinical testing. Allele origin: germline.
Comment: This variant has not been reported in the literature in individuals affected with MYOM1-related conditions. In summary, the available evidence is currently insufficient to determine the role of this variant in disease. Therefore, it has been classified as a Variant of Uncertain Significance. Advanced modeling of protein sequence and biophysical properties (such as structural, functional, and spatial information, amino acid conservation, physicochemical variation, residue mobility, and thermodynamic stability) has been performed at Invitae for this missense variant, however the output from this modeling did not meet the statistical confidence thresholds required to predict the impact of this variant on MYOM1 protein function. This variant is not present in population databases (gnomAD no frequency). This sequence change replaces alanine, which is neutral and non-polar, with aspartic acid, which is acidic and polar, at codon 365 of the MYOM1 protein (p.Ala365Asp).

NM_003803.4(MYOM1):c.1094C>A (p.Ala365Asp)

Gene: MYOM1 (myomesin 1; minus strand). Cytogenetic location: 18p11.31.
Variant type: single nucleotide variant.
Coding change: c.1094C>A on transcript NM_003803.4 (MANE Select); coding-DNA position 1094, C replaced by A.
Protein change: p.Ala365Asp; replaces alanine 365 with aspartic acid.
Molecular consequence: missense variant.
Genome position (GRCh38, 1-based): chr18:3,174,137, G>T on the plus strand (C>A on the coding strand, the complement: MYOM1 is on the minus strand). VCF-style: chr18-3174137-G-T. GRCh37 (hg19) VCF-style: chr18-3174135-G-T.
Other names: c.1094C>A, p.Ala365Asp (NM_019856.2); short protein forms A365D.
Identifiers: ClinVar variation 1715074 (VCV001715074.5), dbSNP rs1598743043, ClinGen allele CA401715648.